The following is an entry in ClinVar:

ClinVar aggregate classification (germline): Uncertain significance. Review status: criteria provided, multiple submitters, no conflicts (2 of 4 stars). 2 submissions from 2 submitters: Uncertain significance (2). Last evaluated 2021-12-02.

Conditions:
Inborn genetic diseases. Identifiers: MedGen C0950123, MeSH D030342.

Allele frequency attached by ClinVar (database versions not stated): ESP Exome Variant Server 0.00008; TOPMed 0.00008; gnomAD 0.00010; 1000 Genomes Project 0.00020; 1000 Genomes Project 30x 0.00031.
gnomAD v4.1: 25 of 1,614,080 alleles (0.0015%); highest among the groups gnomAD compares: African/African-American, 0.031%; no homozygotes.

Submissions (2):

Labcorp Genetics (formerly Invitae), Labcorp
Classification: Uncertain significance. Last evaluated: 2021-12-02. Review status: criteria provided, single submitter. Criteria: Invitae Variant Classification Sherloc (09022015). Collection method: clinical testing. Allele origin: germline.
Comment: This sequence change replaces alanine, which is neutral and non-polar, with threonine, which is neutral and polar, at codon 152 of the SPART protein (p.Ala152Thr). This variant is present in population databases (rs371769949, gnomAD 0.03%). This variant has not been reported in the literature in individuals affected with SPART-related conditions. ClinVar contains an entry for this variant (Variation ID: 936787). Algorithms developed to predict the effect of missense changes on protein structure and function (SIFT, PolyPhen-2, Align-GVGD) all suggest that this variant is likely to be tolerated. In summary, the available evidence is currently insufficient to determine the role of this variant in disease. Therefore, it has been classified as a Variant of Uncertain Significance.

Ambry Genetics
Classification: Uncertain significance for Inborn genetic diseases. Last evaluated: 2021-09-17. Review status: criteria provided, single submitter. Criteria: Ambry Variant Classification Scheme 2023. Collection method: clinical testing. Allele origin: germline.

NM_015087.5(SPART):c.454G>A (p.Ala152Thr)

Gene: SPART (spartin; minus strand). Cytogenetic location: 13q13.3.
Variant type: single nucleotide variant.
Coding change: c.454G>A on transcript NM_015087.5 (MANE Select); coding-DNA position 454, G replaced by A.
Protein change: p.Ala152Thr; replaces alanine 152 with threonine.
Molecular consequence: missense variant.
Genome position (GRCh38, 1-based): chr13:36,335,377, C>T on the plus strand (G>A on the coding strand, the complement: SPART is on the minus strand). VCF-style: chr13-36335377-C-T. GRCh37 (hg19) VCF-style: chr13-36909514-C-T.
Other names: c.454G>A, p.Ala152Thr (NM_001142294.2, NM_001142295.2, NM_001142296.2); short protein forms A152T.
Identifiers: ClinVar variation 936787 (VCV000936787.11), dbSNP rs371769949, ClinGen allele CA6949637.